The following is an entry in ClinVar:

NM_001395413.1(POR):c.1405G>C (p.Val469Leu)

Gene: POR (cytochrome p450 oxidoreductase; plus strand). Cytogenetic location: 7q11.23.
Variant type: single nucleotide variant.
Coding change: c.1405G>C on transcript NM_001395413.1 (MANE Select); coding-DNA position 1405, G replaced by C.
Protein change: p.Val469Leu; replaces valine 469 with leucine.
Molecular consequence: missense variant.
Genome position (GRCh38, 1-based): chr7:75,985,594, G>C. VCF-style: chr7-75985594-G-C. GRCh37 (hg19) VCF-style: chr7-75614912-G-C.
Other names: c.1405G>C, p.Val469Leu (NM_001367562.3, NM_001382657.2, NM_001382658.3 and 1 more transcripts); c.1459G>C, p.Val487Leu (NM_001382655.3); c.1255G>C, p.Val419Leu (NM_001382662.3); short protein forms V419L, V469L, V487L.
Identifiers: ClinVar variation 908689 (VCV000908689.22), dbSNP rs72557946, ClinGen allele CA4304136.

ClinVar aggregate classification (germline): Conflicting classifications of pathogenicity. Review status: criteria provided, conflicting classifications (1 of 4 stars). 6 submissions from 6 submitters: Uncertain significance (4); Likely benign (1). 1 of the submissions does not count toward it. Last evaluated 2026-01-26.

Conditions:
Congenital adrenal hyperplasia due to cytochrome P450 oxidoreductase deficiency. Also called: DISORDERED STEROIDOGENESIS DUE TO POR DEFICIENCY. Identifiers: Orphanet 95699, MedGen C1860042, MONDO:0013310, OMIM 613571.
POR-related disorder. Also called: POR-related condition.

Allele frequency attached by ClinVar (database versions not stated): TOPMed 0.00027; 1000 Genomes Project 30x 0.00031; 1000 Genomes Project 0.00040.
gnomAD v4.1: 423 of 1,562,518 alleles (0.027%); highest among the groups gnomAD compares: Middle Eastern, 0.77%; 3 homozygotes.

Submissions (6):

Labcorp Genetics (formerly Invitae), Labcorp
Classification: Likely benign for Congenital adrenal hyperplasia due to cytochrome P450 oxidoreductase deficiency. Last evaluated: 2026-01-26. Review status: criteria provided, single submitter. Criteria: Invitae Variant Classification Sherloc (09022015). Collection method: clinical testing. Allele origin: germline.

Mendelics
Classification: Uncertain significance. Last evaluated: 2022-05-04. Review status: criteria provided, single submitter. Criteria: Mendelics Assertion Criteria 2019. Collection method: clinical testing. Allele origin: germline.

ARUP Laboratories, Molecular Genetics and Genomics, ARUP Laboratories
Classification: Uncertain significance. Last evaluated: 2019-10-24. Review status: criteria provided, single submitter. Criteria: ARUP Molecular Germline Variant Investigation Process. Collection method: clinical testing. Allele origin: germline.
Comment: The POR c.1414G>C; p.Val472Leu variant (rs72557946), to our knowledge, has not been reported in the medical literature or gene specific databases. This variant is found in the general population with an allele frequency in South Asian populations of 0.18% (40/22,222 alleles) in the Genome Aggregation Database. The valine at codon 472 is moderately conserved (Alamut v.2.11) and computational analyses (SIFT, PolyPhen-2) predict that this variant is tolerated. However, based on the available information, the clinical significance of this variant is uncertain.

Baylor Genetics
Classification: Uncertain significance for Congenital adrenal hyperplasia due to cytochrome P450 oxidoreductase deficiency. Last evaluated: 2019-07-31. Review status: criteria provided, single submitter. Criteria: ACMG Guidelines, 2015. Collection method: clinical testing. Allele origin: unknown. Affected: yes.
Comment: This variant was determined to be of uncertain significance according to ACMG Guidelines, 2015 [PMID:25741868].

Illumina Laboratory Services, Illumina
Classification: Uncertain significance for Congenital adrenal hyperplasia due to cytochrome P450 oxidoreductase deficiency. Last evaluated: 2017-04-27. Review status: criteria provided, single submitter. Criteria: ICSL Variant Classification Criteria 13 December 2019. Collection method: clinical testing. Allele origin: germline.

PreventionGenetics, part of Exact Sciences
Classification: Likely benign for POR-related condition. Last evaluated: 2024-05-19. Review status: no assertion criteria provided. Collection method: clinical testing. Allele origin: germline. Not counted in ClinVar's aggregate classification.
Comment: This variant is classified as likely benign based on ACMG/AMP sequence variant interpretation guidelines (Richards et al. 2015 PMID: 25741868, with internal and published modifications).